The following is an entry in ClinVar:

ClinVar aggregate classification (germline): Likely benign. Review status: criteria provided, single submitter (1 of 4 stars). 2 submissions from 2 submitters: Likely benign (1). 1 of the submissions does not count toward it. Last evaluated 2025-03-05.

Conditions:
WDR4-related disorder. Also called: WDR4-Related Disorders; WDR4-related condition.

Allele frequency attached by ClinVar (database versions not stated): 1000 Genomes Project 30x 0.00016.
gnomAD v4.1: 84 of 1,613,686 alleles (0.0052%); highest among the groups gnomAD compares: African/African-American, 0.1%; no homozygotes.

Submissions (2):

Labcorp Genetics (formerly Invitae), Labcorp
Classification: Likely benign. Last evaluated: 2025-03-05. Review status: criteria provided, single submitter. Criteria: Invitae Variant Classification Sherloc (09022015). Collection method: clinical testing. Allele origin: germline.

PreventionGenetics, part of Exact Sciences
Classification: Likely benign for WDR4-related condition. Last evaluated: 2020-01-15. Review status: no assertion criteria provided. Collection method: clinical testing. Allele origin: germline. Not counted in ClinVar's aggregate classification.
Comment: This variant is classified as likely benign based on ACMG/AMP sequence variant interpretation guidelines (Richards et al. 2015 PMID: 25741868, with internal and published modifications).

NM_018669.6(WDR4):c.33G>C (p.Gly11=)

Gene: WDR4 (WDR4 tRNA N7-guanosine methyltransferase non-catalytic subunit; minus strand). Cytogenetic location: 21q22.3.
Variant type: single nucleotide variant.
Coding change: c.33G>C on transcript NM_018669.6 (MANE Select); coding-DNA position 33, G replaced by C.
Protein change: p.Gly11=; no amino-acid change (glycine 11 retained).
Molecular consequence: synonymous variant. On other transcripts: 5 prime UTR variant (2), intron variant (1).
Genome position (GRCh38, 1-based): chr21:42,879,463, C>G on the plus strand (G>C on the coding strand, the complement: WDR4 is on the minus strand). VCF-style: chr21-42879463-C-G. GRCh37 (hg19) VCF-style: chr21-44299573-C-G.
Other names: c.33G>C, p.Gly11= (NM_001260474.2, NM_033661.5); c.-354G>C (NM_001260475.2); c.-769G>C (NM_001260477.2); c.-298+50G>C (NM_001260476.2); c.33G>C (NM_033661.4).
Identifiers: ClinVar variation 2720648 (VCV002720648.5), dbSNP rs138295040, ClinGen allele CA10046316.